The following is an entry in ClinVar:

ClinVar aggregate classification (germline): Pathogenic. Review status: criteria provided, multiple submitters, no conflicts (2 of 4 stars). 2 submissions from 2 submitters: Pathogenic (2). Last evaluated 2022-09-01.

Conditions:
Neurofibromatosis, type 1 (NF1). Also called: Neurofibromatosis, type I; VON RECKLINGHAUSEN DISEASE; NEUROFIBROMATOSIS, TYPE I, SOMATIC; Peripheral type neurofibromatosis. Identifiers: Orphanet 636, MedGen C0027831, MONDO:0018975, OMIM 162200. Disease mechanism: loss of function.

Submissions (2):

3billion
Classification: Pathogenic for Neurofibromatosis, type 1. Last evaluated: 2022-09-01. Review status: criteria provided, single submitter. Criteria: ACMG Guidelines, 2015. Collection method: clinical testing. Allele origin: germline. Affected: yes. Observed: 1 heterozygote.
Comment: The variant is not observed in the gnomAD v2.1.1 dataset. Canonical splice site is predicted to alter splicing and result in a loss or disruption of normal protein function. Multiple pathogenic loss-of-function variants are reported downstream of the variant. The variant has been reported to be associated with NF1 -related disorder (ClinVar ID: VCV000996419). Therefore, this variant is classified as Pathogenic according to the recommendation of ACMG/AMP guideline.

Genome Diagnostics Laboratory, The Hospital for Sick Children
Classification: Pathogenic for Neurofibromatosis, type 1. Last evaluated: 2020-10-26. Review status: criteria provided, single submitter. Criteria: ACMG Guidelines, 2015. Collection method: clinical testing. Allele origin: germline. Affected: yes.

NM_001042492.3(NF1):c.1641+1G>C

Gene: NF1 (neurofibromin 1; plus strand). Cytogenetic location: 17q11.2.
Variant type: single nucleotide variant.
Coding change: c.1641+1G>C on transcript NM_001042492.3 (MANE Select); the canonical splice donor site of the intron after coding-DNA position 1641, G replaced by C.
Molecular consequence: splice donor variant.
Genome position (GRCh38, 1-based): chr17:31,219,119, G>C. VCF-style: chr17-31219119-G-C. GRCh37 (hg19) VCF-style: chr17-29546137-G-C.
Other names: c.1641+1G>C (NM_000267.4, NM_001128147.3).
Identifiers: ClinVar variation 996419 (VCV000996419.4), dbSNP rs1555612866, ClinGen allele CA399002194.